The following is an entry in ClinVar:

NM_018060.4(IARS2):c.752C>T (p.Thr251Ile)

Gene: IARS2 (isoleucyl-tRNA synthetase 2, mitochondrial; plus strand). Cytogenetic location: 1q41.
Variant type: single nucleotide variant.
Coding change: c.752C>T on transcript NM_018060.4 (MANE Select); coding-DNA position 752, C replaced by T.
Protein change: p.Thr251Ile; replaces threonine 251 with isoleucine.
Molecular consequence: missense variant.
Genome position (GRCh38, 1-based): chr1:220,102,497, C>T. VCF-style: chr1-220102497-C-T. GRCh37 (hg19) VCF-style: chr1-220275839-C-T.
Other names: short protein forms T251I.
Identifiers: ClinVar variation 2414807 (VCV002414807.6), dbSNP rs753601921, ClinGen allele CA1401218.
Genomic context (GRCh38, chr1:220,102,497, plus strand): 5'-AAAAGGGAGAAATTTGTGAGGCTTCCAAGTATTTATGTTTAATATTTTTAACCCTTAGGA[C>T]TGCATTGGCTGAAGCAGAACTTGAATATAATCCTGAGCATGTCAGTCGTTCAATATATGT-3'
Protein context (NP_060530.3, residues 241-261): KPVFWSPSSR[Thr251Ile]ALAEAELEYN

ClinVar aggregate classification (germline): Uncertain significance (1 of 4 stars; one submission).

Allele frequency attached by ClinVar (database versions not stated): gnomAD exomes below 0.00001; ExAC 0.00002.
gnomAD v4.1: 1 of 1,613,162 alleles (0.000062%); highest among the groups gnomAD compares: Non-Finnish European, 0.000085%; no homozygotes.

Submission:

Labcorp Genetics (formerly Invitae), Labcorp
Classification: Uncertain significance. Last evaluated: 2024-11-18. Review status: criteria provided, single submitter. Criteria: Invitae Variant Classification Sherloc (09022015). Collection method: clinical testing. Allele origin: germline.
Comment: This sequence change replaces threonine, which is neutral and polar, with isoleucine, which is neutral and non-polar, at codon 251 of the IARS2 protein (p.Thr251Ile). This variant is present in population databases (rs753601921, gnomAD 0.002%). This variant has not been reported in the literature in individuals affected with IARS2-related conditions. ClinVar contains an entry for this variant (Variation ID: 2414807). An algorithm developed to predict the effect of missense changes on protein structure and function (PolyPhen-2) suggests that this variant is likely to be disruptive. In summary, the available evidence is currently insufficient to determine the role of this variant in disease. Therefore, it has been classified as a Variant of Uncertain Significance.